The following is an entry in ClinVar:

NM_007250.5(KLF8):c.795G>A (p.Ser265=)

Gene: KLF8 (KLF transcription factor 8; plus strand). Cytogenetic location: Xp11.21.
Variant type: single nucleotide variant.
Coding change: c.795G>A on transcript NM_007250.5 (MANE Select); coding-DNA position 795, G replaced by A.
Protein change: p.Ser265=; no amino-acid change (serine 265 retained).
Molecular consequence: synonymous variant. On other transcripts: non-coding transcript variant (2), intron variant (3).
Genome position (GRCh38, 1-based): chrX:56,270,218, G>A. VCF-style: chrX-56270218-G-A. GRCh37 (hg19) VCF-style: chrX-56296651-G-A.
Other names: c.795G>A, p.Ser265= (NM_001324102.1); c.810G>A, p.Ser270= (NM_001324104.1); c.786G>A, p.Ser262= (NM_001324105.1); c.758+729G>A (NM_001159296.2); c.646+4474G>A (NM_001324100.1); c.743+729G>A (NM_001324099.1).
Identifiers: ClinVar variation 2660707 (VCV002660707.24), dbSNP rs146271748, ClinGen allele CA10429973.

ClinVar aggregate classification (germline): Likely benign (1 of 4 stars; one submission).

Allele frequency attached by ClinVar (database versions not stated): ESP Exome Variant Server 0.00009; ExAC 0.00014.
gnomAD v4.1: 138 of 1,206,980 alleles (0.011%); highest among the groups gnomAD compares: Middle Eastern, 0.069%; no homozygotes.

Submission:

CeGaT Center for Human Genetics Tuebingen
Classification: Likely benign. Last evaluated: 2022-08-01. Review status: criteria provided, single submitter. Criteria: CeGaT Center For Human Genetics Tuebingen Variant Classification Criteria Version 2. Collection method: clinical testing. Allele origin: germline. Affected: yes. Observed: 1 variant allele.
Comment: KLF8: BP4, BP7